The following is an entry in ClinVar:

ClinVar aggregate classification (germline): Uncertain significance (1 of 4 stars; one submission).

Submission:

GeneDx
Classification: Uncertain significance. Last evaluated: 2024-12-18. Review status: criteria provided, single submitter. Criteria: GeneDx Variant Classification Process June 2021. Collection method: clinical testing. Allele origin: germline. Affected: yes.
Comment: Not observed at significant frequency in large population cohorts (gnomAD); In silico analysis supports that this missense variant has a deleterious effect on protein structure/function; Has not been previously published as pathogenic or benign to our knowledge

NM_001457.4(FLNB):c.1485G>C (p.Lys495Asn)

Gene: FLNB (filamin B; plus strand). Cytogenetic location: 3p14.3.
Variant type: single nucleotide variant.
Coding change: c.1485G>C on transcript NM_001457.4 (MANE Select); coding-DNA position 1485, G replaced by C.
Protein change: p.Lys495Asn; replaces lysine 495 with asparagine.
Molecular consequence: missense variant.
Genome position (GRCh38, 1-based): chr3:58,103,960, G>C. VCF-style: chr3-58103960-G-C. GRCh37 (hg19) VCF-style: chr3-58089687-G-C.
Other names: c.1485G>C, p.Lys495Asn (NM_001164317.2, NM_001164318.2, NM_001164319.2); short protein forms K495N.
Identifiers: ClinVar variation 3906330 (VCV003906330.1).